The following is an entry in ClinVar:

NM_021067.5(GINS1):c.265G>C (p.Ala89Pro)

Gene: GINS1 (GINS complex subunit 1; plus strand). Cytogenetic location: 20p11.21.
Variant type: single nucleotide variant.
Coding change: c.265G>C on transcript NM_021067.5 (MANE Select); coding-DNA position 265, G replaced by C.
Protein change: p.Ala89Pro; replaces alanine 89 with proline.
Molecular consequence: missense variant. On other transcripts: non-coding transcript variant (1), intron variant (1).
Genome position (GRCh38, 1-based): chr20:25,418,130, G>C. VCF-style: chr20-25418130-G-C. GRCh37 (hg19) VCF-style: chr20-25398766-G-C.
Other names: c.265G>C, p.Ala89Pro (NM_001410830.1); c.76-7081G>C (NM_001410831.1); short protein forms A89P.
Identifiers: ClinVar variation 2560728 (VCV002560728.4), dbSNP rs775525859, ClinGen allele CA9796495.

ClinVar aggregate classification (germline): Uncertain significance. Review status: criteria provided, multiple submitters, no conflicts (2 of 4 stars). 2 submissions from 2 submitters: Uncertain significance (2). Last evaluated 2024-12-18.

Allele frequency attached by ClinVar (database versions not stated): gnomAD exomes below 0.00001; ExAC 0.00002; gnomAD 0.00004; TOPMed 0.00006.
gnomAD v4.1: 12 of 1,602,510 alleles (0.00075%); highest among the groups gnomAD compares: East Asian, 0.025%; no homozygotes.

Submissions (2):

Labcorp Genetics (formerly Invitae), Labcorp
Classification: Uncertain significance. Last evaluated: 2024-12-18. Review status: criteria provided, single submitter. Criteria: Invitae Variant Classification Sherloc (09022015). Collection method: clinical testing. Allele origin: germline.
Comment: This sequence change replaces alanine, which is neutral and non-polar, with proline, which is neutral and non-polar, at codon 89 of the GINS1 protein (p.Ala89Pro). This variant is present in population databases (rs775525859, gnomAD 0.05%). This variant has not been reported in the literature in individuals affected with GINS1-related conditions. ClinVar contains an entry for this variant (Variation ID: 2560728). An algorithm developed to predict the effect of missense changes on protein structure and function (PolyPhen-2) suggests that this variant is likely to be disruptive. In summary, the available evidence is currently insufficient to determine the role of this variant in disease. Therefore, it has been classified as a Variant of Uncertain Significance.

Ambry Genetics
Classification: Uncertain significance. Last evaluated: 2023-04-25. Review status: criteria provided, single submitter. Criteria: Ambry Variant Classification Scheme 2023. Collection method: clinical testing. Allele origin: germline.